The following is an entry in ClinVar:

NM_003995.4(NPR2):c.802C>T (p.Arg268Cys)

Gene: NPR2 (natriuretic peptide receptor 2; plus strand). Cytogenetic location: 9p13.3.
Variant type: single nucleotide variant.
Coding change: c.802C>T on transcript NM_003995.4 (MANE Select); coding-DNA position 802, C replaced by T.
Protein change: p.Arg268Cys; replaces arginine 268 with cysteine.
Molecular consequence: missense variant.
Genome position (GRCh38, 1-based): chr9:35,794,032, C>T. VCF-style: chr9-35794032-C-T. GRCh37 (hg19) VCF-style: chr9-35794029-C-T.
Other names: c.802C>T, p.Arg268Cys (NM_001378923.1); short protein forms R268C.
Identifiers: ClinVar variation 1946395 (VCV001946395.5), dbSNP rs2491031797, ClinGen allele CA373367616.
Genomic context (GRCh38, chr9:35,794,032, plus strand): 5'-GGGGATTATGTCTTCTTTTACCTGGATGTCTTTGGGGAGAGTCTCCGTGCAGGCCCCACA[C>T]GTGCTACAGGCCGGCCCTGGCAGGACAATCGCACCCGGGAACAGGCCCAGGCCCTCAGAG-3'
Protein context (NP_003986.2, residues 258-278): FGESLRAGPT[Arg268Cys]ATGRPWQDNR

ClinVar aggregate classification (germline): Uncertain significance (1 of 4 stars; one submission).

Conditions:
Acromesomelic dysplasia 1, Maroteaux type (AMD1). Also called: ST. HELENA DYSPLASIA; ACROMESOMELIC DYSPLASIA 1. Identifiers: Orphanet 40, MedGen C1864356, MONDO:0011275, OMIM 602875.
Tall stature-scoliosis-macrodactyly of the great toes syndrome. Also called: Epiphyseal chondrodysplasia, miura type. Identifiers: Orphanet 329191, MedGen C4014690, MONDO:0014401, OMIM 615923.

gnomAD v4.1: 3 of 1,614,228 alleles (0.00019%); highest among the groups gnomAD compares: Non-Finnish European, 0.00025%; no homozygotes.

Submission:

Labcorp Genetics (formerly Invitae), Labcorp
Classification: Uncertain significance for Tall stature-scoliosis-macrodactyly of the great toes syndrome; Acromesomelic dysplasia 1, Maroteaux type. Last evaluated: 2021-12-19. Review status: criteria provided, single submitter. Criteria: Invitae Variant Classification Sherloc (09022015). Collection method: clinical testing. Allele origin: germline.
Comment: This sequence change replaces arginine, which is basic and polar, with cysteine, which is neutral and slightly polar, at codon 268 of the NPR2 protein (p.Arg268Cys). This variant is not present in population databases (gnomAD no frequency). This variant has not been reported in the literature in individuals affected with NPR2-related conditions. Algorithms developed to predict the effect of missense changes on protein structure and function (SIFT, PolyPhen-2, Align-GVGD) all suggest that this variant is likely to be disruptive. In summary, the available evidence is currently insufficient to determine the role of this variant in disease. Therefore, it has been classified as a Variant of Uncertain Significance.